The following is an entry in ClinVar:

NM_001002294.3(FMO3):c.391del (p.Arg131fs)

Genes: FMO3 (flavin containing dimethylaniline monoxygenase 3; plus strand), LOC126805916 (BRD4-independent group 4 enhancer GRCh37_chr1:171076844-171078043; plus strand). Cytogenetic location: 1q24.3.
Variant type: Deletion.
Coding change: c.391del on transcript NM_001002294.3 (MANE Select); coding-DNA position 391, one base deleted (A; older notation c.391delA).
Protein change: p.Arg131fs; shifts the reading frame from arginine 131.
Molecular consequence: frameshift variant.
Genome position (GRCh38, 1-based): chr1:171,107,744, A deleted; the last of 3 consecutive A bases (chr1:171,107,742-171,107,744); deleting any one gives the same sequence. VCF-style (leftmost placement, unchanged base first): chr1-171107741-GA-G. GRCh37 (hg19) VCF-style: chr1-171076882-GA-G.
Other names: c.331del, p.Arg111fs (NM_001319173.2); c.202del, p.Arg68fs (NM_001319174.2); c.391del, p.Arg131fs (NM_006894.6); short protein forms R131fs, R111fs, R68fs.
Identifiers: ClinVar variation 2914874 (VCV002914874.4), dbSNP rs866756635, ClinGen allele CA32545128.

ClinVar aggregate classification (germline): Pathogenic/Likely pathogenic. Review status: criteria provided, multiple submitters, no conflicts (2 of 4 stars). 2 submissions from 2 submitters: Pathogenic (1); Likely pathogenic (1). Last evaluated 2024-04-03.

Conditions:
Trimethylaminuria (TMAU). Also called: FISH-ODOR SYNDROME; Primary Trimethylaminuria; Fish malodor syndrome; Stale fish syndrome; TMAuria. Identifiers: MedGen C0342739, MONDO:0011182, OMIM 602079, HP:0003614. Disease mechanism: loss of function.

Submissions (2):

Fulgent Genetics
Classification: Likely pathogenic for Trimethylaminuria. Last evaluated: 2024-04-03. Review status: criteria provided, single submitter. Criteria: ACMG Guidelines, 2015. Collection method: clinical testing. Allele origin: germline.

Labcorp Genetics (formerly Invitae), Labcorp
Classification: Pathogenic. Last evaluated: 2023-07-07. Review status: criteria provided, single submitter. Criteria: Invitae Variant Classification Sherloc (09022015). Collection method: clinical testing. Allele origin: germline.
Comment: This sequence change creates a premature translational stop signal (p.Arg131Glyfs*13) in the FMO3 gene. It is expected to result in an absent or disrupted protein product. Loss-of-function variants in FMO3 are known to be pathogenic (PMID: 20301282). This variant is present in population databases (no rsID available, gnomAD 0.007%). This variant has not been reported in the literature in individuals affected with FMO3-related conditions. For these reasons, this variant has been classified as Pathogenic.

Literature cited by the submitters: PubMed 20301282 (cited by Labcorp Genetics (formerly Invitae), Labcorp).